The following is an entry in ClinVar:

NM_004415.4(DSP):c.6461T>C (p.Ile2154Thr)

Gene: DSP (desmoplakin; plus strand). Cytogenetic location: 6p24.3.
Variant type: single nucleotide variant.
Coding change: c.6461T>C on transcript NM_004415.4 (MANE Select); coding-DNA position 6461, T replaced by C.
Protein change: p.Ile2154Thr; replaces isoleucine 2154 with threonine.
Molecular consequence: missense variant.
Genome position (GRCh38, 1-based): chr6:7,583,723, T>C. VCF-style: chr6-7583723-T-C. GRCh37 (hg19) VCF-style: chr6-7583956-T-C.
Other names: c.4664T>C, p.Ile1555Thr (NM_001008844.3); c.5132T>C, p.Ile1711Thr (NM_001319034.2); short protein forms I1555T, I1711T, I2154T.
Identifiers: ClinVar variation 1309291 (VCV001309291.5), dbSNP rs2113700418, ClinGen allele CA362690839.

ClinVar aggregate classification (germline): Uncertain significance. Review status: criteria provided, multiple submitters, no conflicts (2 of 4 stars). 2 submissions from 2 submitters: Uncertain significance (2). Last evaluated 2023-07-23.

Conditions:
Arrhythmogenic cardiomyopathy with wooly hair and keratoderma. Also called: Carvajal syndrome; Dilated cardiomyopathy with woolly hair and keratoderma; PALMOPLANTAR KERATODERMA WITH LEFT VENTRICULAR CARDIOMYOPATHY AND WOOLLY HAIR; Arrhythmogenic cardiomyopathy with woolly hair and keratoderma. Identifiers: Orphanet 65282, MedGen C1854063, MONDO:0011581, OMIM 605676.
Arrhythmogenic right ventricular dysplasia 8 (ARVD8). Also called: Arrhythmogenic Right Ventricular Dysplasia/Cardiomyopathy 8; ARRHYTHMOGENIC RIGHT VENTRICULAR CARDIOMYOPATHY 8; ARRHYTHMOGENIC RIGHT VENTRICULAR DYSPLASIA, FAMILIAL, 8. Identifiers: MedGen C1843896, MONDO:0011831, OMIM 607450.

Submissions (2):

Labcorp Genetics (formerly Invitae), Labcorp
Classification: Uncertain significance for Arrhythmogenic cardiomyopathy with wooly hair and keratoderma; Arrhythmogenic right ventricular dysplasia 8. Last evaluated: 2023-07-23. Review status: criteria provided, single submitter. Criteria: Invitae Variant Classification Sherloc (09022015). Collection method: clinical testing. Allele origin: germline.
Comment: An algorithm developed to predict the effect of missense changes on protein structure and function (PolyPhen-2) suggests that this variant is likely to be disruptive. In summary, the available evidence is currently insufficient to determine the role of this variant in disease. Therefore, it has been classified as a Variant of Uncertain Significance. ClinVar contains an entry for this variant (Variation ID: 1309291). This sequence change replaces isoleucine, which is neutral and non-polar, with threonine, which is neutral and polar, at codon 2154 of the DSP protein (p.Ile2154Thr). This variant is not present in population databases (gnomAD no frequency). This variant has not been reported in the literature in individuals affected with DSP-related conditions.

GeneDx
Classification: Uncertain significance. Last evaluated: 2019-10-11. Review status: criteria provided, single submitter. Criteria: GeneDx Variant Classification Process June 2021. Collection method: clinical testing. Allele origin: germline. Affected: yes.
Comment: Has not been previously published as pathogenic or benign to our knowledge; Not observed in large population cohorts (Lek et al., 2016); In silico analysis, which includes protein predictors and evolutionary conservation, supports a deleterious effect